The following is an entry in ClinVar:

ClinVar aggregate classification (germline): Uncertain significance. Review status: criteria provided, multiple submitters, no conflicts (2 of 4 stars). 2 submissions from 2 submitters: Uncertain significance (2). Last evaluated 2025-12-08.

Conditions:
Combined immunodeficiency due to DOCK8 deficiency (HIES2). Also called: Hyper-IgE recurrent infection syndrome, autosomal recessive; HYPER-IgE RECURRENT INFECTION SYNDROME 2, AUTOSOMAL RECESSIVE; HYPER-IgE SYNDROME 2, AUTOSOMAL RECESSIVE, WITH RECURRENT INFECTIONS; DOCK8 Deficiency; HIES autosomal recessive. Identifiers: Orphanet 217390, MedGen C4722305, MONDO:0009478, OMIM 243700.
Inborn genetic diseases. Identifiers: MedGen C0950123, MeSH D030342.

Allele frequency attached by ClinVar (database versions not stated): ExAC 0.00001.
gnomAD v4.1: 16 of 1,614,098 alleles (0.00099%); highest among the groups gnomAD compares: Admixed American, 0.0033%; no homozygotes.

Submissions (2):

Ambry Genetics
Classification: Uncertain significance for Inborn genetic diseases. Last evaluated: 2025-12-08. Review status: criteria provided, single submitter. Criteria: Ambry Variant Classification Scheme 2023. Collection method: clinical testing. Allele origin: germline.

Labcorp Genetics (formerly Invitae), Labcorp
Classification: Uncertain significance for Combined immunodeficiency due to DOCK8 deficiency. Last evaluated: 2022-08-23. Review status: criteria provided, single submitter. Criteria: Invitae Variant Classification Sherloc (09022015). Collection method: clinical testing. Allele origin: germline.
Comment: This sequence change replaces leucine, which is neutral and non-polar, with phenylalanine, which is neutral and non-polar, at codon 1744 of the DOCK8 protein (p.Leu1744Phe). This variant is present in population databases (rs748798340, gnomAD 0.003%). This variant has not been reported in the literature in individuals affected with DOCK8-related conditions. ClinVar contains an entry for this variant (Variation ID: 1448429). Algorithms developed to predict the effect of missense changes on protein structure and function (SIFT, PolyPhen-2, Align-GVGD) all suggest that this variant is likely to be tolerated. In summary, the available evidence is currently insufficient to determine the role of this variant in disease. Therefore, it has been classified as a Variant of Uncertain Significance.

NM_203447.4(DOCK8):c.5232A>T (p.Leu1744Phe)

Gene: DOCK8 (dedicator of cytokinesis 8; plus strand). Cytogenetic location: 9p24.3.
Variant type: single nucleotide variant.
Coding change: c.5232A>T on transcript NM_203447.4 (MANE Select); coding-DNA position 5232, A replaced by T.
Protein change: p.Leu1744Phe; replaces leucine 1744 with phenylalanine.
Molecular consequence: missense variant.
Genome position (GRCh38, 1-based): chr9:441,294, A>T. VCF-style: chr9-441294-A-T. GRCh37 (hg19) VCF-style: chr9-441294-A-T.
Other names: c.5232A>T (NM_203447.3); c.4932A>T, p.Leu1644Phe (NM_001190458.2); c.5028A>T, p.Leu1676Phe (NM_001193536.2); short protein forms L1644F, L1676F, L1744F.
Identifiers: ClinVar variation 1448429 (VCV001448429.6), dbSNP rs748798340, ClinGen allele CA4959373.